The following is an entry in ClinVar:

NM_000719.7(CACNA1C):c.1253G>A (p.Arg418Gln)

Gene: CACNA1C (calcium voltage-gated channel subunit alpha1 C; plus strand). Cytogenetic location: 12p13.33.
Variant type: single nucleotide variant.
Coding change: c.1253G>A on transcript NM_000719.7 (MANE Select); coding-DNA position 1253, G replaced by A.
Protein change: p.Arg418Gln; replaces arginine 418 with glutamine.
Molecular consequence: missense variant.
Genome position (GRCh38, 1-based): chr12:2,512,847, G>A. VCF-style: chr12-2512847-G-A. GRCh37 (hg19) VCF-style: chr12-2622013-G-A.
Other names: c.1253G>A, p.Arg418Gln (NM_001129827.2, NM_001129829.2, NM_001129830.3 and 18 more transcripts); c.1244G>A, p.Arg415Gln (NM_001129844.2); short protein forms R415Q, R418Q.
Identifiers: ClinVar variation 4807773 (VCV004807773.1).

ClinVar aggregate classification (germline): Uncertain significance (1 of 4 stars; one submission).

Conditions:
Long QT syndrome (LQTS). Identifiers: MedGen C0023976, MeSH D008133, MONDO:0002442. Disease mechanism: loss of function. Inheritance: Various modes of inheritance.

gnomAD v4.1: 3 of 1,613,020 alleles (0.00019%); highest among the groups gnomAD compares: South Asian, 0.0011%; no homozygotes.

Submission:

Labcorp Genetics (formerly Invitae), Labcorp
Classification: Uncertain significance for Long QT syndrome. Last evaluated: 2025-12-20. Review status: criteria provided, single submitter. Criteria: Invitae Variant Classification Sherloc (09022015). Collection method: clinical testing. Allele origin: germline.
Comment: This sequence change replaces arginine, which is basic and polar, with glutamine, which is neutral and polar, at codon 418 of the CACNA1C protein (p.Arg418Gln). This variant is not present in population databases (gnomAD no frequency). This variant has not been reported in the literature in individuals affected with CACNA1C-related conditions. Invitae Evidence Modeling of protein sequence and biophysical properties (such as structural, functional, and spatial information, amino acid conservation, physicochemical variation, residue mobility, and thermodynamic stability) indicates that this missense variant is expected to disrupt CACNA1C protein function with a positive predictive value of 95%. In summary, the available evidence is currently insufficient to determine the role of this variant in disease. Therefore, it has been classified as a Variant of Uncertain Significance.